The following is an entry in ClinVar:

ClinVar aggregate classification (germline): Conflicting classifications of pathogenicity. Review status: criteria provided, conflicting classifications (1 of 4 stars). 6 submissions from 6 submitters: Uncertain significance (4); Likely benign (1). 1 of the submissions does not count toward it. Last evaluated 2023-10-01.

Conditions:
IMPG2-related disorder. Also called: IMPG2-related condition.
Retinitis pigmentosa (RP). Identifiers: Orphanet 791, MedGen C0035334, MeSH D012174, MONDO:0019200, OMIM 268000. Inheritance: Autosomal dominant, autosomal recessive and X linked inheritance.
Retinal dystrophy. Also called: Inherited retinal dystrophy. Identifiers: Orphanet 71862, MedGen C0854723, MeSH D058499, MONDO:0019118, HP:0000556.

Allele frequency attached by ClinVar (database versions not stated): gnomAD 0.00001 and 0.00009; TOPMed 0.00002; gnomAD exomes 0.00014 and 0.00016; ExAC 0.00016; 1000 Genomes Project 30x 0.00078; 1000 Genomes Project 0.00100.

Submissions (6):

Dept Of Ophthalmology, Nagoya University
Classification: Likely benign for Retinal dystrophy. Last evaluated: 2023-10-01. Review status: criteria provided, single submitter. Criteria: Submitter's publication. Collection method: research. Allele origin: germline. Affected: yes.

Labcorp Genetics (formerly Invitae), Labcorp
Classification: Uncertain significance. Last evaluated: 2023-09-07. Review status: criteria provided, single submitter. Criteria: Invitae Variant Classification Sherloc (09022015). Collection method: clinical testing. Allele origin: germline.
Comment: This sequence change replaces serine, which is neutral and polar, with alanine, which is neutral and non-polar, at codon 811 of the IMPG2 protein (p.Ser811Ala). This variant is present in population databases (rs76048775, gnomAD 0.2%). This variant has not been reported in the literature in individuals affected with IMPG2-related conditions. ClinVar contains an entry for this variant (Variation ID: 342345). Advanced modeling of protein sequence and biophysical properties (such as structural, functional, and spatial information, amino acid conservation, physicochemical variation, residue mobility, and thermodynamic stability) performed at Invitae indicates that this missense variant is not expected to disrupt IMPG2 protein function. In summary, the available evidence is currently insufficient to determine the role of this variant in disease. Therefore, it has been classified as a Variant of Uncertain Significance.

Blueprint Genetics
Classification: Uncertain significance. Last evaluated: 2021-09-08. Review status: criteria provided, single submitter. Criteria: ACMG Guidelines, 2015. Collection method: clinical testing. Allele origin: germline.

ARUP Laboratories, Molecular Genetics and Genomics, ARUP Laboratories
Classification: Uncertain significance. Last evaluated: 2019-11-04. Review status: criteria provided, single submitter. Criteria: ARUP Molecular Germline Variant Investigation Process. Collection method: clinical testing. Allele origin: germline.
Comment: The IMPG2 c.2431T>G, p.Ser811Ala variant (rs76048775) has been reported in a deep sequencing study of 83 known causative genes for RP in 17/1204 patients with previous diagnoses of RP (Koyanagi et al. 2019). This variant is listed in the Genome Aggregation Database (gnomAD) identified on 36 of 282,574 alleles (0.01274%). The Serine at position 811 is highly conserved in 13 species of frog (Alamut v2.11) and computational analyses of the effects of the p.Ser811Ala variant on protein structure and function predict a deleterious (SIFT) and possibly damaging (PolyPhen-2) phenotypes. Due to limited information, the clinical significance of the p.Ser811Ala variant is uncertain at this time.

Illumina Laboratory Services, Illumina
Classification: Uncertain significance for Retinitis pigmentosa. Last evaluated: 2018-01-13. Review status: criteria provided, single submitter. Criteria: ICSL Variant Classification Criteria 13 December 2019. Collection method: clinical testing. Allele origin: germline.

PreventionGenetics, part of Exact Sciences
Classification: Likely benign for IMPG2-related condition. Last evaluated: 2024-09-10. Review status: no assertion criteria provided. Collection method: clinical testing. Allele origin: germline. Not counted in ClinVar's aggregate classification.
Comment: This variant is classified as likely benign based on ACMG/AMP sequence variant interpretation guidelines (Richards et al. 2015 PMID: 25741868, with internal and published modifications).

NM_016247.4(IMPG2):c.2431T>G (p.Ser811Ala)

Gene: IMPG2 (interphotoreceptor matrix proteoglycan 2; minus strand). Cytogenetic location: 3q12.3.
Variant type: single nucleotide variant.
Coding change: c.2431T>G on transcript NM_016247.4 (MANE Select); coding-DNA position 2431, T replaced by G.
Protein change: p.Ser811Ala; replaces serine 811 with alanine.
Molecular consequence: missense variant.
Genome position (GRCh38, 1-based): chr3:101,243,900, A>C on the plus strand (T>G on the coding strand, the complement: IMPG2 is on the minus strand). VCF-style: chr3-101243900-A-C. GRCh37 (hg19) VCF-style: chr3-100962744-A-C.
Other names: short protein forms S811A.
Identifiers: ClinVar variation 342345 (VCV000342345.23), dbSNP rs76048775, ClinGen allele CA2518978.